The following is an entry in ClinVar:

NM_001009944.3(PKD1):c.9591GCA[3] (p.Gln3198_His3199insGln)

Gene: PKD1 (polycystin 1, transient receptor potential channel interacting; minus strand). Cytogenetic location: 16p13.3.
Variant type: Microsatellite.
Coding change: c.9591GCA[3] on transcript NM_001009944.3 (MANE Select); three copies in a row of the 3-base unit GCA starting at c.9591; the reference has two copies in a row; one copy, 3 bases duplicated; also written c.9594_9596dup.
Protein change: p.Gln3198_His3199insGln.
Molecular consequence: inframe insertion. On other transcripts: inframe indel (2).
Genome position (GRCh38, 1-based): chr16:2,100,282-2,100,284, TGC duplicated on the plus strand (GCA on the coding strand, the reverse complement: PKD1 is on the minus strand); duplicating any 3 consecutive bases within chr16:2,100,282-2,100,287 gives the same sequence; the position shown is the placement nearest the transcript's 3' end. VCF-style (leftmost placement, unchanged base first): chr16-2100281-G-GTGC. GRCh37 (hg19) VCF-style: chr16-2150282-G-GTGC.
Other names: c.9591GCA[3], p.Gln3198_His3199insGln (NM_000296.4); c.9591_9593GCA[3], p.Gln3198_His3199insGln (NM_001009944.2); c.9594_9596dup (NM_001009944.2).
Identifiers: ClinVar variation 4529963 (VCV004529963.1).

ClinVar aggregate classification (germline): Uncertain significance (1 of 4 stars; one submission).

Submission:

GeneDx
Classification: Uncertain significance. Last evaluated: 2025-05-12. Review status: criteria provided, single submitter. Criteria: GeneDx Variant Classification Process June 2021. Collection method: clinical testing. Allele origin: germline. Affected: yes.
Comment: In-frame duplication of 1 amino acid in a non-repeat region; Not observed at significant frequency in large population cohorts (gnomAD); Has not been previously published as pathogenic or benign to our knowledge